The following is an entry in ClinVar:

ClinVar aggregate classification (germline): Uncertain significance (1 of 4 stars; one submission).

gnomAD v4.1: 1 of 1,600,820 alleles (0.000062%); highest among the groups gnomAD compares: Non-Finnish European, 0.000085%; no homozygotes.

Submission:

GeneDx
Classification: Uncertain significance. Last evaluated: 2024-05-29. Review status: criteria provided, single submitter. Criteria: GeneDx Variant Classification Process June 2021. Collection method: clinical testing. Allele origin: germline. Affected: yes.
Comment: Not observed at significant frequency in large population cohorts (gnomAD); In silico analysis indicates that this missense variant does not alter protein structure/function; Has not been previously published as pathogenic or benign to our knowledge

NM_001174150.2(ARL13B):c.1037A>G (p.Lys346Arg)

Gene: ARL13B (ARF like GTPase 13B; plus strand). Cytogenetic location: 3q11.2.
Variant type: single nucleotide variant.
Coding change: c.1037A>G on transcript NM_001174150.2 (MANE Select); coding-DNA position 1037, A replaced by G.
Protein change: p.Lys346Arg; replaces lysine 346 with arginine.
Molecular consequence: missense variant. On other transcripts: non-coding transcript variant (2).
Genome position (GRCh38, 1-based): chr3:94,049,418, A>G. VCF-style: chr3-94049418-A-G. GRCh37 (hg19) VCF-style: chr3-93768262-A-G.
Other names: c.728A>G, p.Lys243Arg (NM_001174151.2); c.992A>G, p.Lys331Arg (NM_001321328.2); c.1037A>G, p.Lys346Arg (NM_001410782.1, NM_182896.3); c.716A>G, p.Lys239Arg (NM_144996.4); short protein forms K239R, K243R, K331R, K346R.
Identifiers: ClinVar variation 3383595 (VCV003383595.1).